The following is an entry in ClinVar:

NM_182914.3(SYNE2):c.10910A>G (p.Asn3637Ser)

Gene: SYNE2 (spectrin repeat containing nuclear envelope protein 2; plus strand). Cytogenetic location: 14q23.2.
Variant type: single nucleotide variant.
Coding change: c.10910A>G on transcript NM_182914.3 (MANE Select); coding-DNA position 10910, A replaced by G.
Protein change: p.Asn3637Ser; replaces asparagine 3637 with serine.
Molecular consequence: missense variant.
Genome position (GRCh38, 1-based): chr14:64,075,988, A>G. VCF-style: chr14-64075988-A-G. GRCh37 (hg19) VCF-style: chr14-64542706-A-G.
Other names: c.10910A>G, p.Asn3637Ser (NM_015180.6); short protein forms N3637S.
Identifiers: ClinVar variation 948796 (VCV000948796.7), dbSNP rs753086381, ClinGen allele CA7221643.

ClinVar aggregate classification (germline): Uncertain significance (1 of 4 stars; one submission).

Conditions:
Emery-Dreifuss muscular dystrophy 5, autosomal dominant (EDMD5). Also called: EMERY-DREIFUSS MUSCULAR DYSTROPHY 5. Identifiers: Orphanet 261, MedGen C2751805, MONDO:0013072, OMIM 612999.

Allele frequency attached by ClinVar (database versions not stated): ExAC 0.00001; gnomAD exomes 0.00001.
gnomAD v4.1: 13 of 1,614,014 alleles (0.00081%); highest among the groups gnomAD compares: East Asian, 0.0022%; no homozygotes.

Submission:

Labcorp Genetics (formerly Invitae), Labcorp
Classification: Uncertain significance for Emery-Dreifuss muscular dystrophy 5, autosomal dominant. Last evaluated: 2023-11-13. Review status: criteria provided, single submitter. Criteria: Invitae Variant Classification Sherloc (09022015). Collection method: clinical testing. Allele origin: germline.
Comment: This sequence change replaces asparagine, which is neutral and polar, with serine, which is neutral and polar, at codon 3637 of the SYNE2 protein (p.Asn3637Ser). This variant is present in population databases (rs753086381, gnomAD 0.006%). This variant has not been reported in the literature in individuals affected with SYNE2-related conditions. ClinVar contains an entry for this variant (Variation ID: 948796). Algorithms developed to predict the effect of missense changes on protein structure and function output the following: SIFT: "Not Available"; PolyPhen-2: "Benign"; Align-GVGD: "Not Available". The serine amino acid residue is found in multiple mammalian species, which suggests that this missense change does not adversely affect protein function. In summary, the available evidence is currently insufficient to determine the role of this variant in disease. Therefore, it has been classified as a Variant of Uncertain Significance.